The following is an entry in ClinVar:

NM_001364905.1(LRBA):c.6448+6G>A

Gene: LRBA (LPS responsive beige-like anchor protein; minus strand). Cytogenetic location: 4q31.3.
Variant type: single nucleotide variant.
Coding change: c.6448+6G>A on transcript NM_001364905.1 (MANE Select); 6 bases into the intron after coding-DNA position 6448, G replaced by A.
Molecular consequence: intron variant.
Genome position (GRCh38, 1-based): chr4:150,490,912, C>T on the plus strand (G>A on the coding strand, the complement: LRBA is on the minus strand). VCF-style: chr4-150490912-C-T. GRCh37 (hg19) VCF-style: chr4-151412064-C-T.
Other names: c.6448+6G>A (NM_001367550.1, NM_001199282.3, NM_001440431.1); c.6481+6G>A (NM_006726.5, NM_001440430.1); c.151+6G>A (NM_001440432.1); c.145+6G>A (NM_001440433.1).
Identifiers: ClinVar variation 1419524 (VCV001419524.6), dbSNP rs1038968232, ClinGen allele CA108361595.

ClinVar aggregate classification (germline): Uncertain significance (1 of 4 stars; one submission).

Conditions:
Combined immunodeficiency due to LRBA deficiency. Also called: Common variable immunodeficiency 8, with autoimmunity. Identifiers: Orphanet 445018, MedGen C3553512, MONDO:0013863, OMIM 614700.

Allele frequency attached by ClinVar (database versions not stated): TOPMed below 0.00001; gnomAD exomes 0.00001 and 0.00002; gnomAD 0.00002.
gnomAD v4.1: 31 of 1,538,630 alleles (0.002%); highest among the groups gnomAD compares: Non-Finnish European, 0.0023%; no homozygotes.

Submission:

Labcorp Genetics (formerly Invitae), Labcorp
Classification: Uncertain significance for Combined immunodeficiency due to LRBA deficiency. Last evaluated: 2022-11-03. Review status: criteria provided, single submitter. Criteria: Invitae Variant Classification Sherloc (09022015). Collection method: clinical testing. Allele origin: germline.
Comment: This variant is present in population databases (no rsID available, gnomAD 0.002%). ClinVar contains an entry for this variant (Variation ID: 1419524). This variant has not been reported in the literature in individuals affected with LRBA-related conditions. This sequence change falls in intron 42 of the LRBA gene. It does not directly change the encoded amino acid sequence of the LRBA protein. It affects a nucleotide within the consensus splice site. In summary, the available evidence is currently insufficient to determine the role of this variant in disease. Therefore, it has been classified as a Variant of Uncertain Significance. Variants that disrupt the consensus splice site are a relatively common cause of aberrant splicing (PMID: 17576681, 9536098). Algorithms developed to predict the effect of sequence changes on RNA splicing suggest that this variant is not likely to affect RNA splicing.

Literature cited by the submitters: PubMed 17576681; PubMed 9536098.